The following is an entry in ClinVar:

ClinVar aggregate classification (germline): Uncertain significance (1 of 4 stars; one submission).

Conditions:
CLCN3-related disorder. Also called: CLCN3-related condition.

Submission:

PreventionGenetics, part of Exact Sciences
Classification: Uncertain significance for CLCN3-related condition. Last evaluated: 2025-02-11. Review status: criteria provided, single submitter. Criteria: ACMG Guidelines, 2015. Collection method: clinical testing. Allele origin: germline.
Comment: The CLCN3 c.4G>A variant is predicted to result in the amino acid substitution p.Glu2Lys. To our knowledge, this variant has not been reported in the literature or in a large population database (gnomAD), indicating this variant is rare. Although we suspect that this variant may be pathogenic, at this time, the clinical significance of this variant is uncertain due to the absence of conclusive functional and genetic evidence.

NM_001829.4(CLCN3):c.4G>A (p.Glu2Lys)

Gene: CLCN3 (Cl-/H+ antiporter 3; plus strand). Cytogenetic location: 4q33.
Variant type: single nucleotide variant.
Coding change: c.4G>A on transcript NM_001829.4 (MANE Select); coding-DNA position 4, G replaced by A.
Protein change: p.Glu2Lys; replaces glutamic acid 2 with lysine.
Molecular consequence: missense variant.
Genome position (GRCh38, 1-based): chr4:169,635,932, G>A. VCF-style: chr4-169635932-G-A. GRCh37 (hg19) VCF-style: chr4-170557083-G-A.
Other names: c.4G>A, p.Glu2Lys (NM_001243372.2, NM_173872.4); short protein forms E2K.
Identifiers: ClinVar variation 4999365 (VCV004999365.1).
Genomic context (GRCh38, chr4:169,635,932, plus strand): 5'-TATGTTTGAAAAATGTTAAAACTACTTTTTCCCCCCCACAGATAATCAGACAGCTAAATG[G>A]AGTCTGAGCAGCTGTTCCATAGAGGCTACTATAGAAACAGCTACAACAGTATAACAAGTG-3'
Protein context (NP_001820.2, residues 1-12): M[Glu2Lys]SEQLFHRGYY